The following is an entry in ClinVar:

NM_002180.3(IGHMBP2):c.1136A>G (p.Gln379Arg)

Gene: IGHMBP2 (immunoglobulin mu DNA binding protein 2; plus strand). Cytogenetic location: 11q13.3.
Variant type: single nucleotide variant.
Coding change: c.1136A>G on transcript NM_002180.3 (MANE Select); coding-DNA position 1136, A replaced by G.
Protein change: p.Gln379Arg; replaces glutamine 379 with arginine.
Molecular consequence: missense variant.
Genome position (GRCh38, 1-based): chr11:68,929,258, A>G. VCF-style: chr11-68929258-A-G. GRCh37 (hg19) VCF-style: chr11-68696726-A-G.
Other names: short protein forms Q379R.
Identifiers: ClinVar variation 1484771 (VCV001484771.6), dbSNP rs2154008248, ClinGen allele CA381647525.

ClinVar aggregate classification (germline): Uncertain significance (1 of 4 stars; one submission).

Conditions:
Autosomal recessive distal spinal muscular atrophy 1. Also called: SEVERE INFANTILE AXONAL NEUROPATHY WITH RESPIRATORY FAILURE; SPINAL MUSCULAR ATROPHY, DIAPHRAGMATIC; Spinal muscular atrophy with respiratory distress 1; NEURONOPATHY, DISTAL HEREDITARY MOTOR, HARDING TYPE VI; NEUROPATHY, DISTAL HEREDITARY MOTOR, AUTOSOMAL RECESSIVE 1; HMN VI. Identifiers: Orphanet 98920, MedGen C1858517, MONDO:0011436, OMIM 604320.
Charcot-Marie-Tooth disease axonal type 2S. Also called: CHARCOT-MARIE-TOOTH DISEASE, AXONAL, AUTOSOMAL RECESSIVE, TYPE 2S; CHARCOT-MARIE-TOOTH NEUROPATHY, TYPE 2S. Identifiers: Orphanet 443073, MedGen C4015349, MONDO:0014511, OMIM 616155.

Submission:

Labcorp Genetics (formerly Invitae), Labcorp
Classification: Uncertain significance for Autosomal recessive distal spinal muscular atrophy 1; Charcot-Marie-Tooth disease axonal type 2S. Last evaluated: 2021-11-23. Review status: criteria provided, single submitter. Criteria: Invitae Variant Classification Sherloc (09022015). Collection method: clinical testing. Allele origin: germline.
Comment: In summary, the available evidence is currently insufficient to determine the role of this variant in disease. Therefore, it has been classified as a Variant of Uncertain Significance. Advanced modeling of protein sequence and biophysical properties (such as structural, functional, and spatial information, amino acid conservation, physicochemical variation, residue mobility, and thermodynamic stability) performed at Invitae indicates that this missense variant is expected to disrupt IGHMBP2 protein function. This variant has not been reported in the literature in individuals affected with IGHMBP2-related conditions. This variant is not present in population databases (gnomAD no frequency). This sequence change replaces glutamine, which is neutral and polar, with arginine, which is basic and polar, at codon 379 of the IGHMBP2 protein (p.Gln379Arg).